The following is an entry in ClinVar:

NM_004336.5(BUB1):c.2428A>T (p.Asn810Tyr)

Gene: BUB1 (BUB1 mitotic checkpoint serine/threonine kinase; minus strand). Cytogenetic location: 2q13.
Variant type: single nucleotide variant.
Coding change: c.2428A>T on transcript NM_004336.5 (MANE Select); coding-DNA position 2428, A replaced by T.
Protein change: p.Asn810Tyr; replaces asparagine 810 with tyrosine.
Molecular consequence: missense variant.
Genome position (GRCh38, 1-based): chr2:110,642,154, T>A on the plus strand (A>T on the coding strand, the complement: BUB1 is on the minus strand). VCF-style: chr2-110642154-T-A. GRCh37 (hg19) VCF-style: chr2-111399731-T-A.
Other names: c.2368A>T, p.Asn790Tyr (NM_001278616.2); c.2428A>T, p.Asn810Tyr (NM_001278617.2); short protein forms N790Y, N810Y.
Identifiers: ClinVar variation 1791111 (VCV001791111.2), dbSNP rs1350157003, ClinGen allele CA348090903.

ClinVar aggregate classification (germline): Uncertain significance (1 of 4 stars; one submission).

Allele frequency attached by ClinVar (database versions not stated): gnomAD exomes below 0.00001; gnomAD 0.00001.
gnomAD v4.1: 2 of 1,613,202 alleles (0.00012%); highest among the groups gnomAD compares: African/African-American, 0.0027%; no homozygotes.

Submission:

Ambry Genetics
Classification: Uncertain significance. Last evaluated: 2021-11-09. Review status: criteria provided, single submitter. Criteria: Ambry Variant Classification Scheme 2023. Collection method: clinical testing. Allele origin: germline.
Comment: The p.N810Y variant (also known as c.2428A>T), located in coding exon 20 of the BUB1 gene, results from an A to T substitution at nucleotide position 2428. The asparagine at codon 810 is replaced by tyrosine, an amino acid with dissimilar properties. This amino acid position is conserved. In addition, this alteration is predicted to be tolerated by in silico analysis. Since supporting evidence is limited at this time, the clinical significance of this alteration remains unclear.